The following is an entry in ClinVar:

NM_001940.4(ATN1):c.3118G>C (p.Ala1040Pro)

Gene: ATN1 (atrophin 1; plus strand). Cytogenetic location: 12p13.31.
Variant type: single nucleotide variant.
Coding change: c.3118G>C on transcript NM_001940.4 (MANE Select); coding-DNA position 3118, G replaced by C.
Protein change: p.Ala1040Pro; replaces alanine 1040 with proline.
Molecular consequence: missense variant.
Genome position (GRCh38, 1-based): chr12:6,939,081, G>C. VCF-style: chr12-6939081-G-C. GRCh37 (hg19) VCF-style: chr12-7048244-G-C.
Other names: c.3118G>C, p.Ala1040Pro (NM_001007026.2); short protein forms A1040P.
Identifiers: ClinVar variation 1704111 (VCV001704111.2), dbSNP rs1348722702, ClinGen allele CA383741077.

ClinVar aggregate classification (germline): Uncertain significance (1 of 4 stars; one submission).

Submission:

GeneDx
Classification: Uncertain significance. Last evaluated: 2022-03-03. Review status: criteria provided, single submitter. Criteria: GeneDx Variant Classification Process June 2021. Collection method: clinical testing. Allele origin: germline. Affected: yes.
Comment: Not observed at significant frequency in large population cohorts (gnomAD); In silico analysis supports that this missense variant has a deleterious effect on protein structure/function; Has not been previously published as pathogenic or benign to our knowledge